The following is an entry in ClinVar:

NM_003108.4(SOX11):c.759G>T (p.Gln253His)

Gene: SOX11 (SRY-box transcription factor 11; plus strand). Cytogenetic location: 2p25.2.
Variant type: single nucleotide variant.
Coding change: c.759G>T on transcript NM_003108.4 (MANE Select); coding-DNA position 759, G replaced by T.
Protein change: p.Gln253His; replaces glutamine 253 with histidine.
Molecular consequence: missense variant.
Genome position (GRCh38, 1-based): chr2:5,693,480, G>T. VCF-style: chr2-5693480-G-T. GRCh37 (hg19) VCF-style: chr2-5833612-G-T.
Other names: short protein forms Q253H.
Identifiers: ClinVar variation 4999607 (VCV004999607.1).
Genomic context (GRCh38, chr2:5,693,480, plus strand): 5'-CGAGCTGCAGCTGCAGATCAAACAGGAGCCGGACGAGGAGGACGAGGAACCACCGCACCA[G>T]CAGCTCCTGCAGCCGCCGGGGCAGCAGCCGTCGCAGCTGCTGAGACGCTACAACGTCGCC-3'
Protein context (NP_003099.1, residues 243-263): PDEEDEEPPH[Gln253His]QLLQPPGQQP

ClinVar aggregate classification (germline): Uncertain significance (1 of 4 stars; one submission).

Conditions:
SOX11-related disorder. Also called: SOX11-related condition.

Submission:

PreventionGenetics, part of Exact Sciences
Classification: Uncertain significance for SOX11-related condition. Last evaluated: 2026-05-09. Review status: criteria provided, single submitter. Criteria: ACMG Guidelines, 2015. Collection method: clinical testing. Allele origin: germline.
Comment: The SOX11 c.759G>T variant is predicted to result in the amino acid substitution p.Gln253His. To our knowledge, this variant has not been reported in the literature or in a large population database (gnomAD), indicating this variant is rare. At this time, the clinical significance of this variant is uncertain due to the absence of conclusive functional and genetic evidence.